The following is an entry in ClinVar:

NM_000532.5(PCCB):c.68C>T (p.Ala23Val)

Gene: PCCB (propionyl-CoA carboxylase subunit beta; plus strand). Cytogenetic location: 3q22.3.
Variant type: single nucleotide variant.
Coding change: c.68C>T on transcript NM_000532.5 (MANE Select); coding-DNA position 68, C replaced by T.
Protein change: p.Ala23Val; replaces alanine 23 with valine.
Molecular consequence: missense variant.
Genome position (GRCh38, 1-based): chr3:136,250,443, C>T. VCF-style: chr3-136250443-C-T. GRCh37 (hg19) VCF-style: chr3-135969285-C-T.
Other names: c.68C>T, p.Ala23Val (NM_001178014.2); short protein forms A23V.
Identifiers: ClinVar variation 1982505 (VCV001982505.4), dbSNP rs2529731469, ClinGen allele CA354737925.

ClinVar aggregate classification (germline): Uncertain significance (1 of 4 stars; one submission).

Conditions:
Propionic acidemia (PROP). Also called: GLYCINEMIA, KETOTIC; HYPERGLYCINEMIA WITH KETOACIDOSIS AND LEUKOPENIA; KETOTIC HYPERGLYCINEMIA. Identifiers: Orphanet 35, MedGen C0268579, MONDO:0011628, OMIM 606054, HP:0003571.

Allele frequency attached by ClinVar (database versions not stated): gnomAD exomes below 0.00001.
gnomAD v4.1: 2 of 1,600,422 alleles (0.00012%); highest among the groups gnomAD compares: Non-Finnish European, 0.00017%; no homozygotes.

Submission:

Labcorp Genetics (formerly Invitae), Labcorp
Classification: Uncertain significance for Propionic acidemia. Last evaluated: 2024-06-13. Review status: criteria provided, single submitter. Criteria: Invitae Variant Classification Sherloc (09022015). Collection method: clinical testing. Allele origin: germline.
Comment: This sequence change replaces alanine, which is neutral and non-polar, with valine, which is neutral and non-polar, at codon 23 of the PCCB protein (p.Ala23Val). This variant is not present in population databases (gnomAD no frequency). This variant has not been reported in the literature in individuals affected with PCCB-related conditions. ClinVar contains an entry for this variant (Variation ID: 1982505). Algorithms developed to predict the effect of missense changes on protein structure and function output the following: SIFT: "Not Available"; PolyPhen-2: "Benign"; Align-GVGD: "Not Available". The valine amino acid residue is found in multiple mammalian species, which suggests that this missense change does not adversely affect protein function. In summary, the available evidence is currently insufficient to determine the role of this variant in disease. Therefore, it has been classified as a Variant of Uncertain Significance.